The following is an entry in ClinVar:

ClinVar aggregate classification (germline): Uncertain significance (1 of 4 stars; one submission).

Conditions:
Short-rib thoracic dysplasia 11 with or without polydactyly (SRTD11). Also called: SHORT-RIB THORACIC DYSPLASIA 11 WITHOUT POLYDACTYLY. Identifiers: Orphanet 474, Orphanet 93271, MedGen C3810200, MONDO:0014287, OMIM 615633.

Submission:

Labcorp Genetics (formerly Invitae), Labcorp
Classification: Uncertain significance for Short-rib thoracic dysplasia 11 with or without polydactyly. Last evaluated: 2026-01-19. Review status: criteria provided, single submitter. Criteria: Invitae Variant Classification Sherloc (09022015). Collection method: clinical testing. Allele origin: germline.
Comment: This sequence change replaces lysine, which is basic and polar, with glutamic acid, which is acidic and polar, at codon 477 of the WDR34 protein (p.Lys477Glu). This variant is not present in population databases (gnomAD no frequency). This variant has not been reported in the literature in individuals affected with WDR34-related conditions. ClinVar contains an entry for this variant (Variation ID: 1681174). An algorithm developed to predict the effect of missense changes on protein structure and function (PolyPhen-2) suggests that this variant is likely to be tolerated. In summary, the available evidence is currently insufficient to determine the role of this variant in disease. Therefore, it has been classified as a Variant of Uncertain Significance.

NM_052844.4(DYNC2I2):c.1429A>G (p.Lys477Glu)

Gene: DYNC2I2 (dynein 2 intermediate chain 2; minus strand). Cytogenetic location: 9q34.11.
Variant type: single nucleotide variant.
Coding change: c.1429A>G on transcript NM_052844.4 (MANE Select); coding-DNA position 1429, A replaced by G.
Protein change: p.Lys477Glu; replaces lysine 477 with glutamic acid.
Molecular consequence: missense variant.
Genome position (GRCh38, 1-based): chr9:128,633,926, T>C on the plus strand (A>G on the coding strand, the complement: DYNC2I2 is on the minus strand). VCF-style: chr9-128633926-T-C. GRCh37 (hg19) VCF-style: chr9-131396205-T-C.
Other names: short protein forms K477E.
Identifiers: ClinVar variation 1681174 (VCV001681174.8), dbSNP rs2132131357, ClinGen allele CA375107607.